The following is an entry in ClinVar:

NM_025257.3(SLC44A4):c.64_78del (p.Ser22_Pro26del)

Gene: SLC44A4 (solute carrier family 44 member 4; minus strand). Cytogenetic location: 6p21.33.
Variant type: Deletion.
Coding change: c.64_78del on transcript NM_025257.3 (MANE Select); coding-DNA positions 64 to 78, 15 bases deleted (TCCTTTCGAGGCCCC).
Protein change: p.Ser22_Pro26del.
Molecular consequence: inframe deletion. On other transcripts: 5 prime UTR variant (1), inframe indel (1).
Genome position (GRCh38, 1-based): chr6:31,877,045-31,877,059, GGGGCCTCGAAAGGA deleted on the plus strand (TCCTTTCGAGGCCCC on the coding strand, the reverse complement: SLC44A4 is on the minus strand); deleting any 15 consecutive bases within chr6:31,877,045-31,877,063 gives the same sequence; the c. name uses the placement nearest the transcript's 3' end. VCF-style (leftmost placement, unchanged base first): chr6-31877044-TGGGGCCTCGAAAGGA-T. GRCh37 (hg19) VCF-style: chr6-31844821-TGGGGCCTCGAAAGGA-T.
Other names: c.64_78del, p.Ser22_Pro26del (NM_001178044.2); c.-165_-151del (NM_001178045.2); c.60_74delCCCCTCCTTTCGAGG, p.Ser22_Pro26del (NM_032794.1).
Identifiers: ClinVar variation 1989382 (VCV001989382.4), dbSNP rs1242958364, ClinGen allele CA566357355.

ClinVar aggregate classification (germline): Uncertain significance (1 of 4 stars; one submission).

Submission:

Labcorp Genetics (formerly Invitae), Labcorp
Classification: Uncertain significance. Last evaluated: 2022-09-27. Review status: criteria provided, single submitter. Criteria: Invitae Variant Classification Sherloc (09022015). Collection method: clinical testing. Allele origin: germline.
Comment: This variant, c.64_78del, results in the deletion of 5 amino acid(s) of the SLC44A4 protein (p.Ser22_Pro26del), but otherwise preserves the integrity of the reading frame. Algorithms developed to predict the effect of sequence changes on RNA splicing suggest that this variant may create or strengthen a splice site. Experimental studies and prediction algorithms are not available or were not evaluated, and the functional significance of this variant is currently unknown. This variant has not been reported in the literature in individuals affected with SLC44A4-related conditions. This variant is present in population databases (no rsID available, gnomAD 0.002%). In summary, the available evidence is currently insufficient to determine the role of this variant in disease. Therefore, it has been classified as a Variant of Uncertain Significance.